The following is an entry in ClinVar:

ClinVar aggregate classification (somatic clinical impact): Tier I - Strong (1 of 4 stars; one submission).

Conditions:
Blast phase chronic myelogenous leukemia, BCR-ABL1 positive. Identifiers: MedGen C0005699, MONDO:0006115.

Submission:

Molecular Diagnostics Division, Virginia Commonwealth University
Classification: Tier I - Strong for Blast phase chronic myelogenous leukemia, BCR-ABL1 positive. Assertion type: therapeutic. Clinical significance: resistance. Last evaluated: 2025-02-26. Review status: criteria provided, single submitter. Criteria: AMP/ASCO/CAP Guidelines, 2017. Collection method: clinical testing. Allele origin: unknown. Affected: yes.
Comment: ABL1 Val299Leu has been reported in the literature to confer resistance to imatinib, dasatinib, and bosutinib but sensitivity to nilotinib is retained. PMID: 23086624 PMID: 26297264 PMID: 24989279

Literature cited by the submitters: PubMed 23086624; PubMed 26297264; PubMed 24989279.

NM_005157.6(ABL1):c.895G>C (p.Val299Leu)

Gene: ABL1 (ABL proto-oncogene 1, non-receptor tyrosine kinase; plus strand). Cytogenetic location: 9q34.12.
Variant type: single nucleotide variant.
Coding change: c.895G>C on transcript NM_005157.6 (MANE Select); coding-DNA position 895, G replaced by C.
Protein change: p.Val299Leu; replaces valine 299 with leucine.
Molecular consequence: missense variant.
Genome position (GRCh38, 1-based): chr9:130,872,201, G>C. VCF-style: chr9-130872201-G-C. GRCh37 (hg19) VCF-style: chr9-133747588-G-C.
Other names: c.952G>C, p.Val318Leu (NM_007313.3); short protein forms V299L, V318L.
Identifiers: ClinVar variation 3906852 (VCV003906852.1), dbSNP rs1057519771.